The following is an entry in ClinVar:

NM_024548.4(CEP97):c.775C>T (p.Arg259Trp)

Gene: CEP97 (centrosomal protein 97; plus strand). Cytogenetic location: 3q12.3.
Variant type: single nucleotide variant.
Coding change: c.775C>T on transcript NM_024548.4 (MANE Select); coding-DNA position 775, C replaced by T.
Protein change: p.Arg259Trp; replaces arginine 259 with tryptophan.
Molecular consequence: missense variant.
Genome position (GRCh38, 1-based): chr3:101,755,476, C>T. VCF-style: chr3-101755476-C-T. GRCh37 (hg19) VCF-style: chr3-101474320-C-T.
Other names: c.775C>T, p.Arg259Trp (NM_001303401.2); c.673C>T, p.Arg225Trp (NM_001410784.1, NM_001410785.1); short protein forms R225W, R259W.
Identifiers: ClinVar variation 1945726 (VCV001945726.5), dbSNP rs779653506, ClinGen allele CA2521992.

ClinVar aggregate classification (germline): Uncertain significance (1 of 4 stars; one submission).

Allele frequency attached by ClinVar (database versions not stated): gnomAD 0.00001; gnomAD exomes 0.00001; TOPMed 0.00001; ExAC 0.00002.
gnomAD v4.1: 12 of 1,613,934 alleles (0.00074%); highest among the groups gnomAD compares: Admixed American, 0.0017%; no homozygotes.

Submission:

Labcorp Genetics (formerly Invitae), Labcorp
Classification: Uncertain significance. Last evaluated: 2025-04-28. Review status: criteria provided, single submitter. Criteria: Invitae Variant Classification Sherloc (09022015). Collection method: clinical testing. Allele origin: germline.
Comment: This sequence change replaces arginine, which is basic and polar, with tryptophan, which is neutral and slightly polar, at codon 259 of the CEP97 protein (p.Arg259Trp). This variant is present in population databases (rs779653506, gnomAD 0.007%). This variant has not been reported in the literature in individuals affected with CEP97-related conditions. ClinVar contains an entry for this variant (Variation ID: 1945726). Invitae Evidence Modeling of protein sequence and biophysical properties (such as structural, functional, and spatial information, amino acid conservation, physicochemical variation, residue mobility, and thermodynamic stability) indicates that this missense variant is expected to disrupt CEP97 protein function with a positive predictive value of 80%. In summary, the available evidence is currently insufficient to determine the role of this variant in disease. Therefore, it has been classified as a Variant of Uncertain Significance.